The following is an entry in ClinVar:

NM_181486.4(TBX5):c.1019A>C (p.Lys340Thr)

Gene: TBX5 (T-box transcription factor 5; minus strand). Cytogenetic location: 12q24.21.
Variant type: single nucleotide variant.
Coding change: c.1019A>C on transcript NM_181486.4 (MANE Select); coding-DNA position 1019, A replaced by C.
Protein change: p.Lys340Thr; replaces lysine 340 with threonine.
Molecular consequence: missense variant.
Genome position (GRCh38, 1-based): chr12:114,356,070, T>G on the plus strand (A>C on the coding strand, the complement: TBX5 is on the minus strand). VCF-style: chr12-114356070-T-G. GRCh37 (hg19) VCF-style: chr12-114793875-T-G.
Other names: c.1019A>C, p.Lys340Thr (NM_000192.3); c.869A>C, p.Lys290Thr (NM_080717.4); short protein forms K340T, K290T.
Identifiers: ClinVar variation 1752283 (VCV001752283.2), dbSNP rs2540425630, ClinGen allele CA386925968.

ClinVar aggregate classification (germline): Uncertain significance (1 of 4 stars; one submission).

Conditions:
Cardiovascular phenotype. Identifiers: MedGen CN230736.

Allele frequency attached by ClinVar (database versions not stated): gnomAD exomes below 0.00001.
gnomAD v4.1: 1 of 1,613,574 alleles (0.000062%); highest among the groups gnomAD compares: Middle Eastern, 0.016%; no homozygotes.

Submission:

Ambry Genetics
Classification: Uncertain significance for Cardiovascular phenotype. Last evaluated: 2021-11-24. Review status: criteria provided, single submitter. Criteria: Ambry Variant Classification Scheme 2023. Collection method: clinical testing. Allele origin: germline.
Comment: The p.K340T variant (also known as c.1019A>C), located in coding exon 8 of the TBX5 gene, results from an A to C substitution at nucleotide position 1019. The lysine at codon 340 is replaced by threonine, an amino acid with similar properties. This amino acid position is conserved. In addition, the in silico prediction for this alteration is inconclusive. Since supporting evidence is limited at this time, the clinical significance of this alteration remains unclear.